The following is an entry in ClinVar:

NM_022841.7(RFX7):c.2833_2839dup (p.Thr947fs)

Gene: RFX7 (regulatory factor X7; minus strand). Cytogenetic location: 15q21.3.
Variant type: Duplication.
Coding change: c.2833_2839dup on transcript NM_022841.7 (MANE Select); coding-DNA positions 2833 to 2839, 7 bases duplicated (ATCCACA; older notation c.2833_2839dupATCCACA).
Protein change: p.Thr947fs; shifts the reading frame from threonine 947.
Molecular consequence: frameshift variant.
Genome position (GRCh38, 1-based): chr15:56,094,889-56,094,895, TGTGGAT duplicated on the plus strand (ATCCACA on the coding strand, the reverse complement: RFX7 is on the minus strand); duplicating any 7 consecutive bases within chr15:56,094,889-56,094,897 gives the same sequence; the c. name uses the placement nearest the transcript's 3' end. VCF-style (leftmost placement, unchanged base first): chr15-56094888-G-GTGTGGAT. GRCh37 (hg19) VCF-style: chr15-56387086-G-GTGTGGAT.
Other names: c.2542_2548dup, p.Thr850fs (NM_001368073.2, NM_001368074.1, NM_001370554.1); c.2833_2839dup, p.Thr947fs (NM_001370561.1); short protein forms T850fs, T947fs.
Identifiers: ClinVar variation 3432641 (VCV003432641.1).

ClinVar aggregate classification (germline): Likely pathogenic (1 of 4 stars; one submission).

Conditions:
Inborn genetic diseases. Identifiers: MedGen C0950123, MeSH D030342.

Submission:

Ambry Genetics
Classification: Likely pathogenic for Inborn genetic diseases. Last evaluated: 2024-10-17. Review status: criteria provided, single submitter. Criteria: Ambry Variant Classification Scheme 2023. Collection method: clinical testing. Allele origin: germline.
Comment: The c.2833_2839dupATCCACA (p.T947Nfs*23) alteration, located in exon 9 (coding exon 9) of the RFX7 gene, consists of a duplication of ATCCACA at position 2833, causing a translational frameshift with a predicted alternate stop codon after 23 amino acids. This alteration occurs at the 3' terminus of the RFX7 gene, is not expected to trigger nonsense-mediated mRNA decay, and impacts the last 35% of the protein. Although loss-of-function has not been established as a mechanism of disease, premature stop codons in this region have been reported with disease. This variant was not reported in population-based cohorts in the Genome Aggregation Database (gnomAD). Based on the available evidence, this alteration is classified as likely pathogenic.